The following is an entry in ClinVar:

NM_170665.4(ATP2A2):c.2555_2575del (p.Ala852_Ala858del)

Genes: ATP2A2 (ATPase sarcoplasmic/endoplasmic reticulum Ca2+ transporting 2; plus strand), LOC126861638 (MED14-independent group 3 enhancer GRCh37_chr12:110782389-110783588; plus strand). Cytogenetic location: 12q24.11.
Variant type: Deletion.
Coding change: c.2555_2575del on transcript NM_170665.4 (MANE Select); coding-DNA positions 2555 to 2575, 21 bases deleted (CATGGTGGTTCATTGCTGCTG).
Protein change: p.Ala852_Ala858del.
Molecular consequence: inframe deletion.
Genome position (GRCh38, 1-based): chr12:110,344,919-110,344,939, CATGGTGGTTCATTGCTGCTG deleted; deleting any 21 consecutive bases within chr12:110,344,911-110,344,939 gives the same sequence; the c. name uses the placement nearest the transcript's 3' end. VCF-style (leftmost placement, unchanged base first): chr12-110344910-GTGCTGCTGCATGGTGGTTCAT-G. GRCh37 (hg19) VCF-style: chr12-110782715-GTGCTGCTGCATGGTGGTTCAT-G.
Other names: c.2450_2470del, p.Ala817_Ala823del (NM_001413013.1); c.2555_2575del, p.Ala852_Ala858del (NM_001413014.1, NM_001681.4); c.2180_2200del, p.Ala727_Ala733del (NM_001413015.1).
Identifiers: ClinVar variation 5021438 (VCV005021438.1).
Genomic context (GRCh38, chr12:110,344,910, plus strand): 5'-AGGCAAGTGCATCAGCATCACTGTGTTTGTTCCCAGGTTACGTCGGCGCTGCTACCGTGG[GTGCTGCTGCATGGTGGTTCAT>G]TGCTGCTGACGGTGGTCCAAGAGTGTCCTTCTACCAGCTGGTACTCAGTCACCTTTCTTT-3'

ClinVar aggregate classification (germline): Likely pathogenic (1 of 4 stars; one submission).

Conditions:
Keratosis follicularis (DAR). Also called: Darier disease; Darier's disease. Identifiers: Orphanet 218, MedGen C0022595, MONDO:0007417, OMIM 124200.

Submission:

Department of Human Genetics, SALK University Hospital, Paracelsus Medical University Salzburg
Classification: Likely pathogenic for Keratosis follicularis. Review status: criteria provided, single submitter. Criteria: ACMG Guidelines, 2015. Collection method: clinical testing. Allele origin: unknown. Affected: yes.
Comment: Both patients carried the variant in a heterozygous state and the variant is not observed at significant frequency in large population cohorts (gnomAD). The following ACMG criteria were applied in classifying this variant: PM2, PM4, PP1, PP4_mod. This variant scored 7 points (7P-0B) using the point system described in PMID:32720330

Literature cited by the submitters: PubMed 40565511.